The following is an entry in ClinVar:

NM_005477.3(HCN4):c.1966T>A (p.Ser656Thr)

Gene: HCN4 (hyperpolarization activated cyclic nucleotide gated potassium channel 4; minus strand). Cytogenetic location: 15q24.1.
Variant type: single nucleotide variant.
Coding change: c.1966T>A on transcript NM_005477.3 (MANE Select); coding-DNA position 1966, T replaced by A.
Protein change: p.Ser656Thr; replaces serine 656 with threonine.
Molecular consequence: missense variant.
Genome position (GRCh38, 1-based): chr15:73,324,967, A>T on the plus strand (T>A on the coding strand, the complement: HCN4 is on the minus strand). VCF-style: chr15-73324967-A-T. GRCh37 (hg19) VCF-style: chr15-73617308-A-T.
Other names: short protein forms S656T.
Identifiers: ClinVar variation 2889966 (VCV002889966.3), dbSNP rs377612051, ClinGen allele CA272666169.

ClinVar aggregate classification (germline): Uncertain significance (1 of 4 stars; one submission).

Conditions:
Brugada syndrome 8 (BRGDA8). Identifiers: Orphanet 130, MedGen C2751083, MONDO:0013148, OMIM 613123.

Allele frequency attached by ClinVar (database versions not stated): TOPMed below 0.00001; gnomAD 0.00001; ESP Exome Variant Server 0.00008.
gnomAD v4.1: 1 of 1,613,928 alleles (0.000062%); highest among the groups gnomAD compares: Non-Finnish European, 0.000085%; no homozygotes.

Submission:

Labcorp Genetics (formerly Invitae), Labcorp
Classification: Uncertain significance for Brugada syndrome 8. Last evaluated: 2023-08-28. Review status: criteria provided, single submitter. Criteria: Invitae Variant Classification Sherloc (09022015). Collection method: clinical testing. Allele origin: germline.
Comment: This sequence change replaces serine, which is neutral and polar, with threonine, which is neutral and polar, at codon 656 of the HCN4 protein (p.Ser656Thr). Advanced modeling of protein sequence and biophysical properties (such as structural, functional, and spatial information, amino acid conservation, physicochemical variation, residue mobility, and thermodynamic stability) performed at Invitae indicates that this missense variant is expected to disrupt HCN4 protein function. This variant is not present in population databases (gnomAD no frequency). This variant has not been reported in the literature in individuals affected with HCN4-related conditions. In summary, the available evidence is currently insufficient to determine the role of this variant in disease. Therefore, it has been classified as a Variant of Uncertain Significance.